The following is an entry in ClinVar:

ClinVar aggregate classification (germline): Conflicting classifications of pathogenicity. Review status: criteria provided, conflicting classifications (1 of 4 stars). 3 submissions from 3 submitters: Uncertain significance (2); Likely benign (1). Last evaluated 2025-06-19.

Conditions:
Familial hypocalciuric hypercalcemia (FHH). Also called: Familial benign hypercalcemia. Identifiers: Orphanet 405, MedGen C1809471, MONDO:0018458.
Autosomal dominant hypocalcemia 1 (HYPOC1). Also called: HYPOCALCEMIA, FAMILIAL. Identifiers: MedGen C3715128, MONDO:0011013, OMIM 601198.
Nephrolithiasis/nephrocalcinosis. Identifiers: MedGen CN580796.

gnomAD v4.1: 10 of 1,614,050 alleles (0.00062%); highest among the groups gnomAD compares: Non-Finnish European, 0.00076%; no homozygotes.

Submissions (3):

Labcorp Genetics (formerly Invitae), Labcorp
Classification: Uncertain significance for Familial hypocalciuric hypercalcemia; Autosomal dominant hypocalcemia 1. Last evaluated: 2025-06-19. Review status: criteria provided, single submitter. Criteria: Invitae Variant Classification Sherloc (09022015). Collection method: clinical testing. Allele origin: germline.
Comment: This sequence change replaces valine, which is neutral and non-polar, with leucine, which is neutral and non-polar, at codon 1075 of the CASR protein (p.Val1075Leu). This variant is not present in population databases (gnomAD no frequency). This variant has not been reported in the literature in individuals affected with CASR-related conditions. ClinVar contains an entry for this variant (Variation ID: 843402). An algorithm developed to predict the effect of missense changes on protein structure and function (PolyPhen-2) suggests that this variant is likely to be tolerated. In summary, the available evidence is currently insufficient to determine the role of this variant in disease. Therefore, it has been classified as a Variant of Uncertain Significance.

Center for Genomic Medicine, Rigshospitalet, Copenhagen University Hospital
Classification: Uncertain significance. Last evaluated: 2025-03-04. Review status: criteria provided, single submitter. Criteria: ACMG Guidelines, 2015. Collection method: clinical testing. Allele origin: germline.

Ambry Genetics
Classification: Likely benign for Nephrolithiasis/nephrocalcinosis. Last evaluated: 2024-10-15. Review status: criteria provided, single submitter. Criteria: Ambry Variant Classification Scheme 2023. Collection method: clinical testing. Allele origin: germline.

NM_000388.4(CASR):c.3223G>T (p.Val1075Leu)

Gene: CASR (calcium sensing receptor; plus strand). Cytogenetic location: 3q21.1.
Variant type: single nucleotide variant.
Coding change: c.3223G>T on transcript NM_000388.4 (MANE Select); coding-DNA position 3223, G replaced by T.
Protein change: p.Val1075Leu; replaces valine 1075 with leucine.
Molecular consequence: missense variant.
Genome position (GRCh38, 1-based): chr3:122,285,177, G>T. VCF-style: chr3-122285177-G-T. GRCh37 (hg19) VCF-style: chr3-122004024-G-T.
Other names: c.3253G>T, p.Val1085Leu (NM_001178065.2); short protein forms V1075L, V1085L.
Identifiers: ClinVar variation 843402 (VCV000843402.14), dbSNP rs748855270, ClinGen allele CA354161816.
Genomic context (GRCh38, chr3:122,285,177, plus strand): 5'-GTAGTGTCCAGTTCACAGAGCTTTGTCATCAGTGGTGGAGGCAGCACTGTTACAGAAAAC[G>T]TAGTGAATTCATAAAATGGAAGGAGAAGACTGGGCTAGGGAGAATGCAGAGAGGTTTCTT-3'
Protein context (NP_000379.3, residues 1065-1078): SGGGSTVTEN[Val1075Leu]VNS